The following is an entry in ClinVar:

ClinVar aggregate classification (germline): Pathogenic (1 of 4 stars; one submission).

Conditions:
Hypertrophic cardiomyopathy. Also called: HYPERTROPHIC MYOCARDIOPATHY. Identifiers: Orphanet 217569, MedGen C0007194, MeSH D002312, MONDO:0005045, HP:0001639.

gnomAD v4.1: 5 of 1,612,778 alleles (0.00031%); highest among the groups gnomAD compares: East Asian, 0.0022%; no homozygotes.

Submission:

Labcorp Genetics (formerly Invitae), Labcorp
Classification: Pathogenic for Hypertrophic cardiomyopathy. Last evaluated: 2024-10-10. Review status: criteria provided, single submitter. Criteria: Invitae Variant Classification Sherloc (09022015). Collection method: clinical testing. Allele origin: germline.
Comment: This sequence change creates a premature translational stop signal (p.Gln94*) in the TNNI3 gene. It is expected to result in an absent or disrupted protein product. Loss-of-function variants in TNNI3 are known to be pathogenic (PMID: 31568572, 34036930, 35838873). This variant is not present in population databases (gnomAD no frequency). This premature translational stop signal has been observed in individual(s) with dilated cardiomyopathy (PMID: 25163546). Algorithms developed to predict the effect of sequence changes on RNA splicing suggest that this variant may disrupt the consensus splice site. For these reasons, this variant has been classified as Pathogenic.

Literature cited by the submitters: PubMed 31568572; PubMed 34036930; PubMed 35838873; PubMed 25163546.

NM_000363.5(TNNI3):c.280C>T (p.Gln94Ter)

Gene: TNNI3 (troponin I3, cardiac type; minus strand). Cytogenetic location: 19q13.42.
Variant type: single nucleotide variant.
Coding change: c.280C>T on transcript NM_000363.5 (MANE Select); coding-DNA position 280, C replaced by T.
Protein change: p.Gln94Ter; replaces glutamine 94 with a stop codon.
Molecular consequence: nonsense.
Genome position (GRCh38, 1-based): chr19:55,156,203, G>A on the plus strand (C>T on the coding strand, the complement: TNNI3 is on the minus strand). VCF-style: chr19-55156203-G-A. GRCh37 (hg19) VCF-style: chr19-55667571-G-A.
Other names: short protein forms Q94*.
Identifiers: ClinVar variation 3723680 (VCV003723680.2).